The following is an entry in ClinVar:

ClinVar aggregate classification (germline): Benign/Likely benign. Review status: criteria provided, multiple submitters, no conflicts (2 of 4 stars). 8 submissions from 8 submitters: Benign (1); Likely benign (7). Last evaluated 2025-12-10.

Conditions:
Hereditary cancer-predisposing syndrome. Also called: Tumor predisposition; Hereditary Cancer Syndrome; Hereditary neoplastic syndrome; Neoplastic Syndromes, Hereditary. Identifiers: Orphanet 140162, MedGen C0027672, MeSH D009386, MONDO:0015356.
Familial adenomatous polyposis 2. Also called: COLORECTAL ADENOMATOUS POLYPOSIS, AUTOSOMAL RECESSIVE; MUTYH Polyposis; MUTYH-associated polyposis; MUTYH-related attenuated familial adenomatous polyposis; Adenomas, multiple colorectal; ADENOMAS, MULTIPLE COLORECTAL, AUTOSOMAL RECESSIVE. Identifiers: Orphanet 220460, Orphanet 247798, MedGen C3272841, MONDO:0012041, OMIM 608456.

Allele frequency attached by ClinVar (database versions not stated): gnomAD exomes 0.00001 and 0.00002; TOPMed 0.00003.
gnomAD v4.1: 13 of 1,614,022 alleles (0.00081%); highest among the groups gnomAD compares: East Asian, 0.0089%; no homozygotes.

Submissions (8):

Labcorp Genetics (formerly Invitae), Labcorp
Classification: Likely benign for Familial adenomatous polyposis 2. Last evaluated: 2025-12-10. Review status: criteria provided, single submitter. Criteria: Invitae Variant Classification Sherloc (09022015). Collection method: clinical testing. Allele origin: germline.

Women's Health and Genetics/Laboratory Corporation of America, LabCorp
Classification: Likely benign. Last evaluated: 2024-08-23. Review status: criteria provided, single submitter. Criteria: LabCorp Variant Classification Summary - May 2015. Collection method: clinical testing. Allele origin: germline.

All of Us Research Program, National Institutes of Health
Classification: Likely benign for Familial adenomatous polyposis 2. Last evaluated: 2024-02-05. Review status: criteria provided, single submitter. Criteria: ACMG Guidelines, 2015. Collection method: clinical testing. Allele origin: germline. Inheritance: Autosomal recessive inheritance. Observed: 4 variant alleles, 4 heterozygotes.
Comment: This study involves interpretation of variants in research participants for the purpose of population health screening. Participant phenotype was not available at the time of variant classification. Additional details can be found in publication PMID: 35346344, PMCID: PMC8962531

Quest Diagnostics Nichols Institute San Juan Capistrano
Classification: Likely benign. Last evaluated: 2022-12-03. Review status: criteria provided, single submitter. Criteria: Quest Diagnostics criteria. Collection method: clinical testing. Allele origin: unknown.

Sema4
Classification: Likely benign for Hereditary cancer-predisposing syndrome. Last evaluated: 2021-12-17. Review status: criteria provided, single submitter. Criteria: Sema4 Curation Guidelines. Collection method: curation. Allele origin: germline.

Color Diagnostics, LLC DBA Color Health
Classification: Likely benign for Hereditary cancer-predisposing syndrome. Last evaluated: 2017-01-20. Review status: criteria provided, single submitter. Criteria: ACMG Guidelines, 2015. Collection method: clinical testing. Allele origin: germline.

GeneDx
Classification: Benign. Last evaluated: 2015-07-02. Review status: criteria provided, single submitter. Criteria: GeneDx Variant Classification Process June 2021. Collection method: clinical testing. Allele origin: germline. Affected: yes.

Ambry Genetics
Classification: Likely benign for Hereditary cancer-predisposing syndrome. Last evaluated: 2015-03-12. Review status: criteria provided, single submitter. Criteria: Ambry Variant Classification Scheme 2023. Collection method: clinical testing. Allele origin: germline.

NM_001048174.2(MUTYH):c.1131G>A (p.Pro377=)

Gene: MUTYH (mutY DNA glycosylase; minus strand). Cytogenetic location: 1p34.1.
Variant type: single nucleotide variant.
Coding change: c.1131G>A on transcript NM_001048174.2 (MANE Select); coding-DNA position 1131, G replaced by A.
Protein change: p.Pro377=; no amino-acid change (proline 377 retained).
Molecular consequence: synonymous variant. On other transcripts: non-coding transcript variant (2).
Genome position (GRCh38, 1-based): chr1:45,331,528, C>T on the plus strand (G>A on the coding strand, the complement: MUTYH is on the minus strand). VCF-style: chr1-45331528-C-T. GRCh37 (hg19) VCF-style: chr1-45797200-C-T.
Other names: c.1131G>A, p.Pro377= (NM_001048171.2, NM_001048173.2, NM_001293195.2); c.1134G>A, p.Pro378= (NM_001048172.2); c.1215G>A, p.Pro405= (NM_001128425.2); c.1176G>A, p.Pro392= (NM_001293190.2); c.1164G>A, p.Pro388= (NM_001293191.2); c.855G>A, p.Pro285= (NM_001293192.2, NM_001293196.2); c.786G>A, p.Pro262= (NM_001350650.2, NM_001350651.2); c.1206G>A, p.Pro402= (NM_012222.3).
Identifiers: ClinVar variation 414158 (VCV000414158.27), dbSNP rs876659935, ClinGen allele CA16610133.
Genomic context (GRCh38, chr1:45,331,528, plus strand): 5'-CTGTAGTTCCTGCAGCAGGGCCTTGCGCTGAAGCTGCTCTGAGGGCTCCCAGGTCACGGA[C>T]GGGAACTCCCACAGTCCTGCCAGCAGACCTGAGAGGGAGGGCAGCCAGGCAGGGGTCAGG-3'
Protein context (NP_001041639.1, residues 367-387): SGLLAGLWEF[Pro377=]SVTWEPSEQL